The following is an entry in ClinVar:

ClinVar aggregate classification (germline): Likely benign (0 of 4 stars; one submission).

Conditions:
CTU2-related disorder. Also called: CTU2-related condition.

Allele frequency attached by ClinVar (database versions not stated): gnomAD exomes below 0.00001; ExAC 0.00001; TOPMed 0.00004; ESP Exome Variant Server 0.00008.
gnomAD v4.1: 16 of 1,612,496 alleles (0.00099%); highest among the groups gnomAD compares: African/African-American, 0.016%; no homozygotes.

Submission:

PreventionGenetics, part of Exact Sciences
Classification: Likely benign for CTU2-related condition. Last evaluated: 2024-01-12. Review status: no assertion criteria provided. Collection method: clinical testing. Allele origin: germline.
Comment: This variant is classified as likely benign based on ACMG/AMP sequence variant interpretation guidelines (Richards et al. 2015 PMID: 25741868, with internal and published modifications).

NM_001012759.3(CTU2):c.1202-8G>A

Gene: CTU2 (cytosolic thiouridylase subunit 2; plus strand). Cytogenetic location: 16q24.3.
Variant type: single nucleotide variant.
Coding change: c.1202-8G>A on transcript NM_001012759.3 (MANE Select); 8 bases into the intron before coding-DNA position 1202, G replaced by A.
Molecular consequence: intron variant.
Genome position (GRCh38, 1-based): chr16:88,714,579, G>A. VCF-style: chr16-88714579-G-A. GRCh37 (hg19) VCF-style: chr16-88780987-G-A.
Other names: c.1415-8G>A (NM_001318507.2); c.1202-8G>A (NM_001012762.3); c.941-8G>A (NM_001318513.2).
Identifiers: ClinVar variation 3029192 (VCV003029192.2), dbSNP rs376937218, ClinGen allele CA8230943.